The following is an entry in ClinVar:

ClinVar aggregate classification (germline): Likely benign. Review status: criteria provided, multiple submitters, no conflicts (2 of 4 stars). 2 submissions from 2 submitters: Likely benign (2). Last evaluated 2026-01-11.

Allele frequency attached by ClinVar (database versions not stated): gnomAD 0.00002; TOPMed 0.00002; ExAC 0.00003.
gnomAD v4.1: 76 of 1,610,288 alleles (0.0047%); highest among the groups gnomAD compares: Middle Eastern, 0.035%; no homozygotes.

Submissions (2):

Labcorp Genetics (formerly Invitae), Labcorp
Classification: Likely benign. Last evaluated: 2026-01-11. Review status: criteria provided, single submitter. Criteria: Invitae Variant Classification Sherloc (09022015). Collection method: clinical testing. Allele origin: germline.

Women's Health and Genetics/Laboratory Corporation of America, LabCorp
Classification: Likely benign. Last evaluated: 2024-05-24. Review status: criteria provided, single submitter. Criteria: LabCorp Variant Classification Summary - May 2015. Collection method: clinical testing. Allele origin: germline.
Comment: Variant summary: CCDC88C c.6075C>T alters a conserved nucleotide resulting in a synonymous change. The variant allele was found at a frequency of 3.7e-05 in 241702 control chromosomes. The available data on variant occurrences in the general population are insufficient to allow any conclusion about variant significance. To our knowledge, no occurrence of c.6075C>T in individuals affected with CCDC88C-Related Disorders and no experimental evidence demonstrating its impact on protein function have been reported. ClinVar contains an entry for this variant (Variation ID: 3015740). Based on the evidence outlined above, the variant was classified as likely benign.

NM_001080414.4(CCDC88C):c.6075C>T (p.Tyr2025=)

Gene: CCDC88C (coiled-coil and HOOK domain protein 88C; minus strand). Cytogenetic location: 14q32.11.
Variant type: single nucleotide variant.
Coding change: c.6075C>T on transcript NM_001080414.4 (MANE Select); coding-DNA position 6075, C replaced by T.
Protein change: p.Tyr2025=; no amino-acid change (tyrosine 2025 retained).
Molecular consequence: synonymous variant.
Genome position (GRCh38, 1-based): chr14:91,272,637, G>A on the plus strand (C>T on the coding strand, the complement: CCDC88C is on the minus strand). VCF-style: chr14-91272637-G-A. GRCh37 (hg19) VCF-style: chr14-91738981-G-A.
Identifiers: ClinVar variation 3015740 (VCV003015740.4), dbSNP rs763686334, ClinGen allele CA7308511.